The following is an entry in ClinVar:

NM_006279.5(ST3GAL3):c.475C>T (p.Arg159Cys)

Gene: ST3GAL3 (ST3 beta-galactoside alpha-2,3-sialyltransferase 3; plus strand). Cytogenetic location: 1p34.1.
Variant type: single nucleotide variant.
Coding change: c.475C>T on transcript NM_006279.5 (MANE Select); coding-DNA position 475, C replaced by T.
Protein change: p.Arg159Cys; replaces arginine 159 with cysteine.
Molecular consequence: missense variant. On other transcripts: non-coding transcript variant (7), intron variant (4).
Genome position (GRCh38, 1-based): chr1:43,899,181, C>T. VCF-style: chr1-43899181-C-T. GRCh37 (hg19) VCF-style: chr1-44364853-C-T.
Other names: c.475C>T, p.Arg159Cys (NM_001270459.2, NM_001350620.2, NM_174966.4); c.382C>T, p.Arg128Cys (NM_001270460.2); c.427C>T, p.Arg143Cys (NM_001270461.3, NM_001270464.3, NM_174969.4); c.334C>T, p.Arg112Cys (NM_001270462.3); c.472C>T, p.Arg158Cys (NM_001270463.3, NM_001270465.3); c.520C>T, p.Arg174Cys (NM_001350619.2, NM_174964.4); c.196C>T, p.Arg66Cys (NM_001350621.2); c.637C>T, p.Arg213Cys (NM_001363573.2, NM_174968.5); and 7 more; short protein forms R112C, R174C, R197C, R128C, R158C, R228C, R213C, R143C.
Identifiers: ClinVar variation 1521292 (VCV001521292.10), dbSNP rs1558784546, ClinGen allele CA340269942.
Genomic context (GRCh38, chr1:43,899,181, plus strand): 5'-CTGGTGGGCAGCTCTCTGTACAGAGGTCTCCGCCTCTCTCCCCTCAGCCTCCGCTGCCGC[C>T]GCTGCATCATCGTGGGCAATGGAGGCGTTCTTGCCAACAAGTCTCTGGGGTCACGAATTG-3'
Protein context (NP_006270.1, residues 149-169): TPALDSLRCR[Arg159Cys]CIIVGNGGVL

ClinVar aggregate classification (germline): Uncertain significance. Review status: criteria provided, multiple submitters, no conflicts (2 of 4 stars). 2 submissions from 2 submitters: Uncertain significance (2). Last evaluated 2025-11-26.

Conditions:
Early-infantile DEE. Also called: Ohtahara syndrome; Early infantile epileptic encephalopathy; Early infantile epileptic encephalopathy with suppression bursts. Identifiers: Orphanet 1934, MedGen C0393706, MONDO:0800491.
Inborn genetic diseases. Identifiers: MedGen C0950123, MeSH D030342.

Allele frequency attached by ClinVar (database versions not stated): gnomAD exomes below 0.00001; TOPMed below 0.00001; gnomAD 0.00001.
gnomAD v4.1: 6 of 1,614,050 alleles (0.00037%); highest among the groups gnomAD compares: Admixed American, 0.0017%; no homozygotes.

Submissions (2):

Ambry Genetics
Classification: Uncertain significance for Inborn genetic diseases. Last evaluated: 2025-11-26. Review status: criteria provided, single submitter. Criteria: Ambry Variant Classification Scheme 2023. Collection method: clinical testing. Allele origin: germline.

Labcorp Genetics (formerly Invitae), Labcorp
Classification: Uncertain significance for Early-infantile DEE. Last evaluated: 2022-07-26. Review status: criteria provided, single submitter. Criteria: Invitae Variant Classification Sherloc (09022015). Collection method: clinical testing. Allele origin: germline.
Comment: In summary, the available evidence is currently insufficient to determine the role of this variant in disease. Therefore, it has been classified as a Variant of Uncertain Significance. Algorithms developed to predict the effect of missense changes on protein structure and function are either unavailable or do not agree on the potential impact of this missense change (SIFT: "Deleterious"; PolyPhen-2: "Probably Damaging"; Align-GVGD: "Class C0"). This variant is not present in population databases (gnomAD no frequency). ClinVar contains an entry for this variant (Variation ID: 1521292). This variant has not been reported in the literature in individuals affected with ST3GAL3-related conditions. This sequence change replaces arginine, which is basic and polar, with cysteine, which is neutral and slightly polar, at codon 159 of the ST3GAL3 protein (p.Arg159Cys).